The following is an entry in ClinVar:

NM_006766.5(KAT6A):c.314G>A (p.Arg105Gln)

Gene: KAT6A (lysine acetyltransferase 6A; minus strand). Cytogenetic location: 8p11.21.
Variant type: single nucleotide variant.
Coding change: c.314G>A on transcript NM_006766.5 (MANE Select); coding-DNA position 314, G replaced by A.
Protein change: p.Arg105Gln; replaces arginine 105 with glutamine.
Molecular consequence: missense variant.
Genome position (GRCh38, 1-based): chr8:42,048,664, C>T on the plus strand (G>A on the coding strand, the complement: KAT6A is on the minus strand). VCF-style: chr8-42048664-C-T. GRCh37 (hg19) VCF-style: chr8-41906182-C-T.
Other names: c.314G>A, p.Arg105Gln (NM_001305878.2); short protein forms R105Q.
Identifiers: ClinVar variation 1728172 (VCV001728172.20), dbSNP rs764240239, ClinGen allele CA4730454.
Genomic context (GRCh38, chr8:42,048,664, plus strand): 5'-AAAAAACGTTCAATGCTTTTCAAAGTTGAGCCACCAGACTCTGCCAAGCCCTCAACTGCC[C>T]GCTTTATCAGTTTATTCCAATCCACATTTTGTTTATTATCCAATTTTCCATGGTTCCGAG-3'
Protein context (NP_006757.2, residues 95-115): QNVDWNKLIK[Arg105Gln]AVEGLAESGG

ClinVar aggregate classification (germline): Benign/Likely benign. Review status: criteria provided, multiple submitters, no conflicts (2 of 4 stars). 3 submissions from 3 submitters: Benign (1); Likely benign (2). Last evaluated 2026-01-26.

Conditions:
Inborn genetic diseases. Identifiers: MedGen C0950123, MeSH D030342.

Allele frequency attached by ClinVar (database versions not stated): ExAC 0.00002; gnomAD exomes 0.00002.
gnomAD v4.1: 26 of 1,614,070 alleles (0.0016%); highest among the groups gnomAD compares: Admixed American, 0.03%; no homozygotes.

Submissions (3):

Labcorp Genetics (formerly Invitae), Labcorp
Classification: Likely benign. Last evaluated: 2026-01-26. Review status: criteria provided, single submitter. Criteria: Invitae Variant Classification Sherloc (09022015). Collection method: clinical testing. Allele origin: germline.

CeGaT Center for Human Genetics Tuebingen
Classification: Likely benign. Last evaluated: 2025-01-01. Review status: criteria provided, single submitter. Criteria: CeGaT Center For Human Genetics Tuebingen Variant Classification Criteria Version 2. Collection method: clinical testing. Allele origin: germline. Affected: yes. Observed: 1 variant allele.
Comment: KAT6A: PP2, BS2

Ambry Genetics
Classification: Benign for Inborn genetic diseases. Last evaluated: 2020-05-29. Review status: criteria provided, single submitter. Criteria: Ambry Variant Classification Scheme 2023. Collection method: clinical testing. Allele origin: germline.